The following is an entry in ClinVar:

ClinVar aggregate classification (germline): Uncertain significance (1 of 4 stars; one submission).

Conditions:
Dyskeratosis congenita. Identifiers: Orphanet 1775, MedGen C0265965, MONDO:0015780.

gnomAD v4.1: 2 of 1,614,184 alleles (0.00012%); highest among the groups gnomAD compares: East Asian, 0.0022%; no homozygotes.

Submission:

Labcorp Genetics (formerly Invitae), Labcorp
Classification: Uncertain significance for Dyskeratosis congenita. Last evaluated: 2024-01-04. Review status: criteria provided, single submitter. Criteria: Invitae Variant Classification Sherloc (09022015). Collection method: clinical testing. Allele origin: germline.
Comment: This sequence change replaces threonine, which is neutral and polar, with serine, which is neutral and polar, at codon 192 of the CTC1 protein (p.Thr192Ser). This variant is not present in population databases (gnomAD no frequency). This variant has not been reported in the literature in individuals affected with CTC1-related conditions. Algorithms developed to predict the effect of missense changes on protein structure and function output the following: SIFT: "Not Available"; PolyPhen-2: "Benign"; Align-GVGD: "Not Available". The serine amino acid residue is found in multiple mammalian species, which suggests that this missense change does not adversely affect protein function. In summary, the available evidence is currently insufficient to determine the role of this variant in disease. Therefore, it has been classified as a Variant of Uncertain Significance.

NM_025099.6(CTC1):c.575C>G (p.Thr192Ser)

Gene: CTC1 (CST telomere replication complex component 1; minus strand). Cytogenetic location: 17p13.1.
Variant type: single nucleotide variant.
Coding change: c.575C>G on transcript NM_025099.6 (MANE Select); coding-DNA position 575, C replaced by G.
Protein change: p.Thr192Ser; replaces threonine 192 with serine.
Molecular consequence: missense variant. On other transcripts: non-coding transcript variant (1).
Genome position (GRCh38, 1-based): chr17:8,238,103, G>C on the plus strand (C>G on the coding strand, the complement: CTC1 is on the minus strand). VCF-style: chr17-8238103-G-C. GRCh37 (hg19) VCF-style: chr17-8141421-G-C.
Other names: c.575C>G, p.Thr192Ser (NM_001411067.1); short protein forms T192S.
Identifiers: ClinVar variation 2786400 (VCV002786400.3), dbSNP rs1229040259, ClinGen allele CA397992533.